The following is an entry in ClinVar:

NM_182961.4(SYNE1):c.15830G>A (p.Ser5277Asn)

Gene: SYNE1 (spectrin repeat containing nuclear envelope protein 1; minus strand). Cytogenetic location: 6q25.2.
Variant type: single nucleotide variant.
Coding change: c.15830G>A on transcript NM_182961.4 (MANE Select); coding-DNA position 15830, G replaced by A.
Protein change: p.Ser5277Asn; replaces serine 5277 with asparagine.
Molecular consequence: missense variant.
Genome position (GRCh38, 1-based): chr6:152,323,565, C>T on the plus strand (G>A on the coding strand, the complement: SYNE1 is on the minus strand). VCF-style: chr6-152323565-C-T. GRCh37 (hg19) VCF-style: chr6-152644700-C-T.
Other names: c.15617G>A, p.Ser5206Asn (NM_033071.5); short protein forms S5277N, S5206N.
Identifiers: ClinVar variation 951063 (VCV000951063.10), dbSNP rs2095950565, ClinGen allele CA366089904.
Genomic context (GRCh38, chr6:152,323,565, plus strand): 5'-ATTTCCTGCATGAGCGGAGGCTCTTCCCCAGGGGTTGGGGCGGCTCCATCCTGGAGCATG[C>T]TCAGGGTTTGCTGCCGCAGCATGCCCAAGGCCGACTGCTGCTGCTCCAGCTCCAGAACGA-3'
Protein context (NP_892006.3, residues 5267-5287): ALGMLRQQTL[Ser5277Asn]MLQDGAAPTP

ClinVar aggregate classification (germline): Uncertain significance. Review status: criteria provided, multiple submitters, no conflicts (2 of 4 stars). 2 submissions from 2 submitters: Uncertain significance (2). Last evaluated 2024-06-05.

Conditions:
Autosomal recessive ataxia, Beauce type. Also called: Spinocerebellar ataxia, autosomal recessive 8; ATAXIA, RECESSIVE, OF BEAUCE; SYNE1-Related Autosomal Recessive Cerebellar Ataxia; SYNE1 Deficiency. Identifiers: Orphanet 88644, MedGen C1853116, MONDO:0012549, OMIM 610743.
Emery-Dreifuss muscular dystrophy 4, autosomal dominant (EDMD4). Also called: EMERY-DREIFUSS MUSCULAR DYSTROPHY 4 WITH VARIABLE FEATURES. Identifiers: Orphanet 261, MedGen C2751807, MONDO:0013071, OMIM 612998.

Allele frequency attached by ClinVar (database versions not stated): gnomAD exomes below 0.00001.
gnomAD v4.1: 2 of 1,614,254 alleles (0.00012%); highest among the groups gnomAD compares: Non-Finnish European, 0.00017%; no homozygotes.

Submissions (2):

Revvity Omics, Revvity
Classification: Uncertain significance. Last evaluated: 2024-06-05. Review status: criteria provided, single submitter. Criteria: ACMG Guidelines, 2015. Collection method: clinical testing. Allele origin: germline.

Labcorp Genetics (formerly Invitae), Labcorp
Classification: Uncertain significance for Emery-Dreifuss muscular dystrophy 4, autosomal dominant; Autosomal recessive ataxia, Beauce type. Last evaluated: 2022-06-11. Review status: criteria provided, single submitter. Criteria: Invitae Variant Classification Sherloc (09022015). Collection method: clinical testing. Allele origin: germline.
Comment: This variant is not present in population databases (gnomAD no frequency). In summary, the available evidence is currently insufficient to determine the role of this variant in disease. Therefore, it has been classified as a Variant of Uncertain Significance. Algorithms developed to predict the effect of missense changes on protein structure and function output the following: SIFT: "Tolerated"; PolyPhen-2: "Benign"; Align-GVGD: "Class C0". The asparagine amino acid residue is found in multiple mammalian species, which suggests that this missense change does not adversely affect protein function. ClinVar contains an entry for this variant (Variation ID: 951063). This variant has not been reported in the literature in individuals affected with SYNE1-related conditions. This sequence change replaces serine, which is neutral and polar, with asparagine, which is neutral and polar, at codon 5206 of the SYNE1 protein (p.Ser5206Asn).